The following is an entry in ClinVar:

ClinVar aggregate classification (germline): Uncertain significance (1 of 4 stars; one submission).

gnomAD v4.1: 7 of 1,614,064 alleles (0.00043%); highest among the groups gnomAD compares: Middle Eastern, 0.016%; no homozygotes.

Submission:

GeneDx
Classification: Uncertain significance. Last evaluated: 2021-03-01. Review status: criteria provided, single submitter. Criteria: GeneDx Variant Classification Process June 2021. Collection method: clinical testing. Allele origin: germline. Affected: yes.
Comment: Has not been previously published as pathogenic or benign to our knowledge; In silico analysis supports that this missense variant does not alter protein structure/function

NM_001374828.1(ARID1B):c.6872C>T (p.Thr2291Met)

Gene: ARID1B (AT-rich interaction domain 1B; plus strand). Cytogenetic location: 6q25.3.
Variant type: single nucleotide variant.
Coding change: c.6872C>T on transcript NM_001374828.1 (MANE Select); coding-DNA position 6872, C replaced by T.
Protein change: p.Thr2291Met; replaces threonine 2291 with methionine.
Molecular consequence: missense variant.
Genome position (GRCh38, 1-based): chr6:157,207,644, C>T. VCF-style: chr6-157207644-C-T. GRCh37 (hg19) VCF-style: chr6-157528778-C-T.
Other names: c.6503C>T (NM_020732.3); c.4373C>T, p.Thr1458Met (NM_001363725.2); c.6752C>T, p.Thr2251Met (NM_001371656.1, NM_001374820.1); c.6713C>T, p.Thr2238Met (NM_017519.3); short protein forms T1458M, T2238M, T2251M, T2291M.
Identifiers: ClinVar variation 1314148 (VCV001314148.2), dbSNP rs1381434956, ClinGen allele CA366249246.
Genomic context (GRCh38, chr6:157,207,644, plus strand): 5'-CCATAGCTGTGCAGAAAGGAAGCATTGGAAACTTGATAAGCTTCCTAGAGGATGGGGTCA[C>T]GATGGCCCAGTACCAGCAGAGCCAGCACAACCTCATGCACATGCAGCCCCCGCCCCTGGA-3'
Protein context (NP_001361757.1, residues 2281-2301): NLISFLEDGV[Thr2291Met]MAQYQQSQHN